The following is an entry in ClinVar:

ClinVar aggregate classification (germline): Likely benign. Review status: criteria provided, multiple submitters, no conflicts (2 of 4 stars). 2 submissions from 2 submitters: Likely benign (2). Last evaluated 2023-12-05.

Allele frequency attached by ClinVar (database versions not stated): gnomAD exomes 0.00001.

Submissions (2):

Women's Health and Genetics/Laboratory Corporation of America, LabCorp
Classification: Likely benign. Last evaluated: 2023-12-05. Review status: criteria provided, single submitter. Criteria: LabCorp Variant Classification Summary - May 2015. Collection method: clinical testing. Allele origin: germline.
Comment: Variant summary: DDX3X c.443+15T>C alters a non-conserved nucleotide located at a position not widely known to affect splicing. Consensus agreement among computation tools predict no significant impact on normal splicing. However, these predictions have yet to be confirmed by functional studies. The variant allele was found at a frequency of 1.1e-05 in 182928 control chromosomes. The available data on variant occurrences in the general population are insufficient to allow any conclusion about variant significance. To our knowledge, no occurrence of c.443+15T>C in individuals affected with X-Linked Intellectual Disability 102 and no experimental evidence demonstrating its impact on protein function have been reported. One submitter has cited clinical-significance assessments for this variant to ClinVar after 2014 and has classified the variant as likely benign. Based on the evidence outlined above, the variant was classified as likely benign.

Labcorp Genetics (formerly Invitae), Labcorp
Classification: Likely benign. Last evaluated: 2021-11-16. Review status: criteria provided, single submitter. Criteria: Invitae Variant Classification Sherloc (09022015). Collection method: clinical testing. Allele origin: germline.

NM_001356.5(DDX3X):c.443+15T>C

Gene: DDX3X (DEAD-box helicase 3 X-linked; plus strand). Cytogenetic location: Xp11.4.
Variant type: single nucleotide variant.
Coding change: c.443+15T>C on transcript NM_001356.5 (MANE Select); 15 bases into the intron after coding-DNA position 443, T replaced by C.
Molecular consequence: intron variant.
Genome position (GRCh38, 1-based): chrX:41,342,668, T>C. VCF-style: chrX-41342668-T-C. GRCh37 (hg19) VCF-style: chrX-41201921-T-C.
Other names: c.443+15T>C (NM_001193416.3); c.395+15T>C (NM_001193417.3); c.-116+15T>C (NM_001363819.1).
Identifiers: ClinVar variation 1547433 (VCV001547433.9), dbSNP rs1219685290, ClinGen allele CA641899882.
Genomic context (GRCh38, chrX:41,342,668, plus strand): 5'-AAGATGATTGGTCAAAACCACTCCCACCAAGTGAACGCTTGGAACAGTAAGTTTTTGAAG[T>C]GTATGTTACTTGTGATGAAGCCTTACTAGCTAGTATAACAAATGAACTTATCCATTTTTT-3'